The following is an entry in ClinVar:

NM_013964.5(NRG1):c.1640C>T (p.Ala547Val)

Gene: NRG1 (neuregulin 1; plus strand). Cytogenetic location: 8p12.
Variant type: single nucleotide variant.
Coding change: c.1640C>T on transcript NM_013964.5 (MANE Select); coding-DNA position 1640, C replaced by T.
Protein change: p.Ala547Val; replaces alanine 547 with valine.
Molecular consequence: missense variant. On other transcripts: 3 prime UTR variant (4).
Genome position (GRCh38, 1-based): chr8:32,764,119, C>T. VCF-style: chr8-32764119-C-T. GRCh37 (hg19) VCF-style: chr8-32621637-C-T.
Other names: c.1541C>T, p.Ala514Val (NM_001159995.3, NM_001322203.1); c.*393C>T (NM_001159996.3, NM_001160004.3, NM_001322206.2 and 1 more transcripts); c.1592C>T, p.Ala531Val (NM_001159999.3); c.1490C>T, p.Ala497Val (NM_001160001.3); c.1169C>T, p.Ala390Val (NM_001322197.2); c.866C>T, p.Ala289Val (NM_001322201.2, NM_001322202.2); c.1820C>T, p.Ala607Val (NM_001322205.2); c.1655C>T, p.Ala552Val (NM_013956.5); and 1 more; short protein forms A289V, A390V, A497V, A514V, A531V, A544V, A547V, A552V.
Identifiers: ClinVar variation 3039316 (VCV003039316.3), dbSNP rs80189821, ClinGen allele CA4706189.

ClinVar aggregate classification (germline): Likely benign. Review status: criteria provided, single submitter (1 of 4 stars). 2 submissions from 2 submitters: Likely benign (1). 1 of the submissions does not count toward it. Last evaluated 2026-07-01.

Conditions:
NRG1-related disorder. Also called: NRG1-related condition.

Allele frequency attached by ClinVar (database versions not stated): ESP Exome Variant Server 0.00038; TOPMed 0.00065; 1000 Genomes Project 30x 0.00078; 1000 Genomes Project 0.00100; gnomAD 0.00109; ExAC 0.00119.
gnomAD v4.1: 1,359 of 1,614,044 alleles (0.084%); highest among the groups gnomAD compares: South Asian, 0.32%; 4 homozygotes.

Submissions (2):

CeGaT Center for Human Genetics Tuebingen
Classification: Likely benign. Last evaluated: 2026-07-01. Review status: criteria provided, single submitter. Criteria: CeGaT Center For Human Genetics Tuebingen Variant Classification Criteria Version 2. Collection method: clinical testing. Allele origin: germline. Affected: yes. Observed: 1 variant allele.
Comment: NRG1: BP4

PreventionGenetics, part of Exact Sciences
Classification: Likely benign for NRG1-related condition. Last evaluated: 2022-10-11. Review status: no assertion criteria provided. Collection method: clinical testing. Allele origin: germline. Not counted in ClinVar's aggregate classification.
Comment: This variant is classified as likely benign based on ACMG/AMP sequence variant interpretation guidelines (Richards et al. 2015 PMID: 25741868, with internal and published modifications).